The following is an entry in ClinVar:

ClinVar aggregate classification (germline): Uncertain significance (1 of 4 stars; one submission).

gnomAD v4.1: 13 of 1,613,772 alleles (0.00081%); highest among the groups gnomAD compares: African/African-American, 0.0013%; no homozygotes.

Submission:

Athena Diagnostics
Classification: Uncertain significance. Last evaluated: 2025-04-03. Review status: criteria provided, single submitter. Criteria: Athena Diagnostics Criteria. Collection method: clinical testing. Allele origin: unknown.
Comment: Available data are insufficient to determine the clinical significance of the variant at this time. The frequency of this variant in the general population is uninformative in assessment of its pathogenicity. Polyphen and MutationTaster predict this amino acid change may be damaging to the protein.

NM_000451.4(SHOX):c.107G>A (p.Arg36Gln)

Gene: SHOX (SHOX homeobox; plus strand). Cytogenetic location: Xp22.33.
Variant type: single nucleotide variant.
Coding change: c.107G>A on transcript NM_000451.4 (MANE Select); coding-DNA position 107, G replaced by A.
Protein change: p.Arg36Gln; replaces arginine 36 with glutamine.
Molecular consequence: missense variant.
Genome position (GRCh38, 1-based): chrX:631,004, G>A. VCF-style: chrX-631004-G-A. GRCh37 (hg19) VCF-style: chrX-591739-G-A.
Other names: c.107G>A, p.Arg36Gln (NM_006883.2); short protein forms R36Q.
Identifiers: ClinVar variation 4682219 (VCV004682219.1).
Genomic context (GRCh38, chrX:631,004, plus strand): 5'-GCAAGGACGGTAACGGCGGAGGCGGAGGCGGCGGAGGTAAGAAGGATTCCATTACGTACC[G>A]GGAAGTTTTGGAGAGCGGACTGGCGCGCTCCCGGGAGCTGGGGACGTCGGATTCCAGCCT-3'
Protein context (NP_000442.1, residues 26-46): GGGKKDSITY[Arg36Gln]EVLESGLARS